The following is an entry in ClinVar:

ClinVar aggregate classification (germline): Uncertain significance. Review status: reviewed by expert panel (3 of 4 stars). 2 submissions from 2 submitters: Uncertain significance (1). 1 of the submissions does not count toward it. Last evaluated 2024-09-25.

Conditions:
Hereditary thrombocytopenia and hematologic cancer predisposition syndrome. Identifiers: Orphanet 71290, MedGen CN281654, MONDO:0011071.
Hereditary thrombocytopenia and hematological cancer predisposition syndrome associated with RUNX1. Also called: Familial Platelet Disorder with Propensity to Acute Myelogenous Leukemia; Familial thrombocytopenia with propensity to acute myelogenous leukemia; PLATELET DISORDER, ASPIRIN-LIKE; RUNX1 Familial Platelet Disorder with Associated Myeloid Malignancies. Identifiers: Orphanet 71290, MedGen C1832388, MeSH C563324, MONDO:0100083, OMIM 601399.

Allele frequency attached by ClinVar (database versions not stated): gnomAD exomes 0.00002.
gnomAD v4.1: 14 of 1,578,942 alleles (0.00089%); highest among the groups gnomAD compares: Non-Finnish European, 0.0012%; no homozygotes.

Submissions (2):

ClinGen Myeloid Malignancy Variant Curation Expert Panel
Classification: Uncertain significance for Hereditary thrombocytopenia and hematologic cancer predisposition syndrome. Last evaluated: 2024-09-25. Review status: reviewed by expert panel. Criteria: ClinGen MyeloMalig ACMG Specifications v2. Collection method: curation. Allele origin: germline. Inheritance: Autosomal dominant inheritance.
Comment: NM_001754.5(RUNX1):c.71G>C (p.Gly24Ala) is a variant which is completely absent from all population databases with at least 20x coverage for RUNX1 (PM2_Supporting). In summary, the clinical significance of this variant is uncertain. ACMG/AMP criteria applied, as specified by the Myeloid Malignancy Variant Curation Expert Panel for RUNX1: PM2_supporting.

Labcorp Genetics (formerly Invitae), Labcorp
Classification: Uncertain significance for Hereditary thrombocytopenia and hematological cancer predisposition syndrome associated with RUNX1. Last evaluated: 2021-05-07. Review status: criteria provided, single submitter. Criteria: Invitae Variant Classification Sherloc (09022015). Collection method: clinical testing. Allele origin: germline. Not counted in ClinVar's aggregate classification.
Comment: In summary, the available evidence is currently insufficient to determine the role of this variant in disease. Therefore, it has been classified as a Variant of Uncertain Significance. Algorithms developed to predict the effect of missense changes on protein structure and function (SIFT, PolyPhen-2, Align-GVGD) all suggest that this variant is likely to be tolerated, but these predictions have not been confirmed by published functional studies and their clinical significance is uncertain. This variant has not been reported in the literature in individuals with RUNX1-related conditions. This variant is not present in population databases (ExAC no frequency). This sequence change replaces glycine with alanine at codon 24 of the RUNX1 protein (p.Gly24Ala). The glycine residue is weakly conserved and there is a small physicochemical difference between glycine and alanine.

NM_001754.5(RUNX1):c.71G>C (p.Gly24Ala)

Gene: RUNX1 (RUNX family transcription factor 1; minus strand). Cytogenetic location: 21q22.12.
Variant type: single nucleotide variant.
Coding change: c.71G>C on transcript NM_001754.5 (MANE Select); coding-DNA position 71, G replaced by C.
Protein change: p.Gly24Ala; replaces glycine 24 with alanine.
Molecular consequence: missense variant.
Genome position (GRCh38, 1-based): chr21:34,892,951, C>G on the plus strand (G>C on the coding strand, the complement: RUNX1 is on the minus strand). VCF-style: chr21-34892951-C-G. GRCh37 (hg19) VCF-style: chr21-36265248-C-G.
Other names: NM_001754.5(RUNX1):c.71G>C; p.Gly24Ala; short protein forms G24A.
Identifiers: ClinVar variation 1365004 (VCV001365004.9), dbSNP rs2146454339, ClinGen allele CA410205747.